The following is an entry in ClinVar:

ClinVar aggregate classification (germline): Uncertain significance (1 of 4 stars; one submission).

Allele frequency attached by ClinVar (database versions not stated): gnomAD exomes below 0.00001.

Submission:

Labcorp Genetics (formerly Invitae), Labcorp
Classification: Uncertain significance. Last evaluated: 2025-03-17. Review status: criteria provided, single submitter. Criteria: Invitae Variant Classification Sherloc (09022015). Collection method: clinical testing. Allele origin: germline.
Comment: This sequence change replaces glycine, which is neutral and non-polar, with glutamic acid, which is acidic and polar, at codon 25 of the PRDM13 protein (p.Gly25Glu). This variant is present in population databases (no rsID available, gnomAD 0.0009%). This variant has not been reported in the literature in individuals affected with PRDM13-related conditions. ClinVar contains an entry for this variant (Variation ID: 1482219). An algorithm developed to predict the effect of missense changes on protein structure and function (PolyPhen-2) suggests that this variant is likely to be disruptive. In summary, the available evidence is currently insufficient to determine the role of this variant in disease. Therefore, it has been classified as a Variant of Uncertain Significance.

NM_021620.4(PRDM13):c.74G>A (p.Gly25Glu)

Gene: PRDM13 (PR/SET domain 13; plus strand). Cytogenetic location: 6q16.2.
Variant type: single nucleotide variant.
Coding change: c.74G>A on transcript NM_021620.4 (MANE Select); coding-DNA position 74, G replaced by A.
Protein change: p.Gly25Glu; replaces glycine 25 with glutamic acid.
Molecular consequence: missense variant.
Genome position (GRCh38, 1-based): chr6:99,607,108, G>A. VCF-style: chr6-99607108-G-A. GRCh37 (hg19) VCF-style: chr6-100054984-G-A.
Other names: short protein forms G25E.
Identifiers: ClinVar variation 1482219 (VCV001482219.6), dbSNP rs1293273896, ClinGen allele CA365113173.
Genomic context (GRCh38, chr6:99,607,108, plus strand): 5'-CCAGAGCGCCAGCCACCAGCGTGAGTGCCGACTGCTGCATCCCGGCCGGCTTGCGCCTCG[G>A]ACCGGTGCCTGGTACCTTCAAGCTGGGCAAGTACCTGTCAGACCGCAGGGAGCCCGGGCC-3'
Protein context (NP_067633.2, residues 15-35): DCCIPAGLRL[Gly25Glu]PVPGTFKLGK